The following is an entry in ClinVar:

ClinVar aggregate classification (germline): Benign/Likely benign. Review status: criteria provided, multiple submitters, no conflicts (2 of 4 stars). 4 submissions from 4 submitters: Benign (2); Likely benign (1). 1 of the submissions does not count toward it. Last evaluated 2026-01-26.

Conditions:
LRRC56-related disorder. Also called: LRRC56-related condition.

Allele frequency attached by ClinVar (database versions not stated): 1000 Genomes Project 30x 0.00390; 1000 Genomes Project 0.00479.
gnomAD v4.1: 1,388 of 1,547,050 alleles (0.09%); highest among the groups gnomAD compares: East Asian, 2.6%; 15 homozygotes.

Submissions (4):

Labcorp Genetics (formerly Invitae), Labcorp
Classification: Benign. Last evaluated: 2026-01-26. Review status: criteria provided, single submitter. Criteria: Invitae Variant Classification Sherloc (09022015). Collection method: clinical testing. Allele origin: germline.

Blueprint Genetics
Classification: Likely benign. Last evaluated: 2024-11-07. Review status: criteria provided, single submitter. Criteria: ACMG Guidelines, 2015. Collection method: clinical testing. Allele origin: germline.

Breakthrough Genomics
Classification: Benign. Review status: criteria provided, single submitter. Criteria: ACMG Guidelines, 2015. Collection method: not provided. Allele origin: germline. Inheritance: Autosomal recessive inheritance. Affected: yes.

PreventionGenetics, part of Exact Sciences
Classification: Benign for LRRC56-related condition. Last evaluated: 2019-05-23. Review status: no assertion criteria provided. Collection method: clinical testing. Allele origin: germline. Not counted in ClinVar's aggregate classification.
Comment: This variant is classified as benign based on ACMG/AMP sequence variant interpretation guidelines (Richards et al. 2015 PMID: 25741868, with internal and published modifications).

NM_198075.4(LRRC56):c.723C>T (p.Ala241=)

Gene: LRRC56 (leucine rich repeat containing 56; plus strand). Cytogenetic location: 11p15.5.
Variant type: single nucleotide variant.
Coding change: c.723C>T on transcript NM_198075.4 (MANE Select); coding-DNA position 723, C replaced by T.
Protein change: p.Ala241=; no amino-acid change (alanine 241 retained).
Molecular consequence: synonymous variant.
Genome position (GRCh38, 1-based): chr11:551,229, C>T. VCF-style: chr11-551229-C-T. GRCh37 (hg19) VCF-style: chr11-551229-C-T.
Other names: c.723C>T (NM_198075.3).
Identifiers: ClinVar variation 1664567 (VCV001664567.11), dbSNP rs201646765, ClinGen allele CA5779800.